The following is an entry in ClinVar:

ClinVar aggregate classification (germline): Uncertain significance (1 of 4 stars; one submission).

gnomAD v4.1: 1 of 1,559,172 alleles (0.000064%); highest among the groups gnomAD compares: Non-Finnish European, 0.000087%; no homozygotes.

Submission:

Labcorp Genetics (formerly Invitae), Labcorp
Classification: Uncertain significance. Last evaluated: 2024-05-23. Review status: criteria provided, single submitter. Criteria: Invitae Variant Classification Sherloc (09022015). Collection method: clinical testing. Allele origin: germline.
Comment: This sequence change replaces glutamic acid, which is acidic and polar, with lysine, which is basic and polar, at codon 452 of the COL9A2 protein (p.Glu452Lys). This variant is not present in population databases (gnomAD no frequency). This variant has not been reported in the literature in individuals affected with COL9A2-related conditions. Advanced modeling of protein sequence and biophysical properties (such as structural, functional, and spatial information, amino acid conservation, physicochemical variation, residue mobility, and thermodynamic stability) performed at Invitae indicates that this missense variant is not expected to disrupt COL9A2 protein function with a negative predictive value of 95%. In summary, the available evidence is currently insufficient to determine the role of this variant in disease. Therefore, it has been classified as a Variant of Uncertain Significance.

NM_001852.4(COL9A2):c.1354G>A (p.Glu452Lys)

Gene: COL9A2 (collagen type IX alpha 2 chain; minus strand). Cytogenetic location: 1p34.2.
Variant type: single nucleotide variant.
Coding change: c.1354G>A on transcript NM_001852.4 (MANE Select); coding-DNA position 1354, G replaced by A.
Protein change: p.Glu452Lys; replaces glutamic acid 452 with lysine.
Molecular consequence: missense variant.
Genome position (GRCh38, 1-based): chr1:40,303,942, C>T on the plus strand (G>A on the coding strand, the complement: COL9A2 is on the minus strand). VCF-style: chr1-40303942-C-T. GRCh37 (hg19) VCF-style: chr1-40769614-C-T.
Other names: short protein forms E452K.
Identifiers: ClinVar variation 3633532 (VCV003633532.2).